The following is an entry in ClinVar:

NM_001458.5(FLNC):c.3598G>A (p.Ala1200Thr)

Gene: FLNC (filamin C; plus strand). Cytogenetic location: 7q32.1.
Variant type: single nucleotide variant.
Coding change: c.3598G>A on transcript NM_001458.5 (MANE Select); coding-DNA position 3598, G replaced by A.
Protein change: p.Ala1200Thr; replaces alanine 1200 with threonine.
Molecular consequence: missense variant.
Genome position (GRCh38, 1-based): chr7:128,845,063, G>A. VCF-style: chr7-128845063-G-A. GRCh37 (hg19) VCF-style: chr7-128485117-G-A.
Other names: c.3598G>A, p.Ala1200Thr (NM_001127487.2); short protein forms A1200T.
Identifiers: ClinVar variation 4258305 (VCV004258305.2).

ClinVar aggregate classification (germline): Uncertain significance. Review status: criteria provided, multiple submitters, no conflicts (2 of 4 stars). 2 submissions from 2 submitters: Uncertain significance (2). Last evaluated 2025-09-14.

Conditions:
Distal myopathy with posterior leg and anterior hand involvement. Also called: WILLIAMS DISTAL MYOPATHY. Identifiers: Orphanet 63273, MedGen C3279722, MONDO:0013550, OMIM 614065.
Myofibrillar myopathy 5. Also called: Filaminopathy (type); FILAMINOPATHY, AUTOSOMAL DOMINANT. Identifiers: Orphanet 171445, MedGen C1836050, MONDO:0012289, OMIM 609524.
Hypertrophic cardiomyopathy 26. Also called: Cardiomyopathy, familial hypertrophic, 26. Identifiers: Orphanet 75249, MedGen C4310749, MONDO:0014883, OMIM 617047.
Cardiovascular phenotype. Identifiers: MedGen CN230736.

gnomAD v4.1: 3 of 1,613,880 alleles (0.00019%); highest among the groups gnomAD compares: Admixed American, 0.005%; no homozygotes.

Submissions (2):

Labcorp Genetics (formerly Invitae), Labcorp
Classification: Uncertain significance for Distal myopathy with posterior leg and anterior hand involvement; Myofibrillar myopathy 5; Hypertrophic cardiomyopathy 26. Last evaluated: 2025-09-14. Review status: criteria provided, single submitter. Criteria: Invitae Variant Classification Sherloc (09022015). Collection method: clinical testing. Allele origin: germline.
Comment: This sequence change replaces alanine, which is neutral and non-polar, with threonine, which is neutral and polar, at codon 1200 of the FLNC protein (p.Ala1200Thr). This variant is present in population databases (rs758755009, gnomAD 0.006%). This variant has not been reported in the literature in individuals affected with FLNC-related conditions. Invitae Evidence Modeling of protein sequence and biophysical properties (such as structural, functional, and spatial information, amino acid conservation, physicochemical variation, residue mobility, and thermodynamic stability) has been performed for this missense variant. However, the output from this modeling did not meet the statistical confidence thresholds required to predict the impact of this variant on FLNC protein function. In summary, the available evidence is currently insufficient to determine the role of this variant in disease. Therefore, it has been classified as a Variant of Uncertain Significance.

Ambry Genetics
Classification: Uncertain significance for Cardiovascular phenotype. Last evaluated: 2025-09-09. Review status: criteria provided, single submitter. Criteria: Ambry Variant Classification Scheme 2023. Collection method: clinical testing. Allele origin: germline.